The following is an entry in ClinVar:

NM_001184880.2(PCDH19):c.1468T>G (p.Tyr490Asp)

Gene: PCDH19 (protocadherin 19; minus strand). Cytogenetic location: Xq22.1.
Variant type: single nucleotide variant.
Coding change: c.1468T>G on transcript NM_001184880.2 (MANE Select); coding-DNA position 1468, T replaced by G.
Protein change: p.Tyr490Asp; replaces tyrosine 490 with aspartic acid.
Molecular consequence: missense variant.
Genome position (GRCh38, 1-based): chrX:100,407,130, A>C on the plus strand (T>G on the coding strand, the complement: PCDH19 is on the minus strand). VCF-style: chrX-100407130-A-C. GRCh37 (hg19) VCF-style: chrX-99662128-A-C.
Other names: c.1468T>G, p.Tyr490Asp (NM_001105243.2, NM_020766.3); short protein forms Y490D.
Identifiers: ClinVar variation 3636296 (VCV003636296.2).

ClinVar aggregate classification (germline): Uncertain significance (1 of 4 stars; one submission).

Conditions:
Developmental and epileptic encephalopathy, 9 (DEE9). Also called: Early infantile epileptic encephalopathy 9; EPILEPSY, FEMALE-RESTRICTED, WITH MENTAL RETARDATION; PCDH19-Related X-Linked Female-Limited Epilepsy with Mental Retardation; JUBERG-HELLMAN SYNDROME. Identifiers: Orphanet 101039, Orphanet 2076, MedGen C1848137, MONDO:0010246, OMIM 300088. Disease mechanism: loss of function.

Submission:

Labcorp Genetics (formerly Invitae), Labcorp
Classification: Uncertain significance for Developmental and epileptic encephalopathy, 9. Last evaluated: 2024-06-21. Review status: criteria provided, single submitter. Criteria: Invitae Variant Classification Sherloc (09022015). Collection method: clinical testing. Allele origin: germline.
Comment: This sequence change replaces tyrosine, which is neutral and polar, with aspartic acid, which is acidic and polar, at codon 490 of the PCDH19 protein (p.Tyr490Asp). This variant is not present in population databases (gnomAD no frequency). This variant has not been reported in the literature in individuals affected with PCDH19-related conditions. Advanced modeling of protein sequence and biophysical properties (such as structural, functional, and spatial information, amino acid conservation, physicochemical variation, residue mobility, and thermodynamic stability) performed at Invitae indicates that this missense variant is expected to disrupt PCDH19 protein function with a positive predictive value of 95%. This variant disrupts the p.Tyr490 amino acid residue in PCDH19. Other variant(s) that disrupt this residue have been observed in individuals with PCDH19-related conditions (PMID: 32366910, 35723786), which suggests that this may be a clinically significant amino acid residue. In summary, the available evidence is currently insufficient to determine the role of this variant in disease. Therefore, it has been classified as a Variant of Uncertain Significance.

Literature cited by the submitters: PubMed 32366910; PubMed 35723786.